The following is an entry in ClinVar:

ClinVar aggregate classification (germline): Benign/Likely benign. Review status: criteria provided, multiple submitters, no conflicts (2 of 4 stars). 5 submissions from 5 submitters: Benign (2); Likely benign (3). Last evaluated 2026-01-12.

Conditions:
Autosomal dominant childhood-onset proximal spinal muscular atrophy with contractures (SMALED2A). Also called: SPINAL MUSCULAR ATROPHY, LOWER EXTREMITY-PREDOMINANT, 2A, CHILDHOOD ONSET, AUTOSOMAL DOMINANT; Spinal muscular atrophy, lower extremity-predominant, 2A, autosomal dominant. Identifiers: Orphanet 363447, Orphanet 363454, MedGen C4747715, MONDO:0014121, OMIM 615290.
Spinal muscular atrophy, lower extremity-predominant, 2b, prenatal onset, autosomal dominant. Also called: Spinal muscular atrophy, lower extremity-predominant, 2B, autosomal dominant. Identifiers: MedGen C4749003, MONDO:0032660, OMIM 618291.

Allele frequency attached by ClinVar (database versions not stated): gnomAD exomes 0.00103; 1000 Genomes Project 0.00359; 1000 Genomes Project 30x 0.00375; ESP Exome Variant Server 0.00408; gnomAD 0.00423 and 0.00450; TOPMed 0.00482.
gnomAD v4.1: 1,292 of 1,599,586 alleles (0.081%); highest among the groups gnomAD compares: African/African-American, 1.5%; 10 homozygotes.

Submissions (5):

Labcorp Genetics (formerly Invitae), Labcorp
Classification: Benign for Autosomal dominant childhood-onset proximal spinal muscular atrophy with contractures. Last evaluated: 2026-01-12. Review status: criteria provided, single submitter. Criteria: Invitae Variant Classification Sherloc (09022015). Collection method: clinical testing. Allele origin: germline.

Blueprint Genetics
Classification: Likely benign. Last evaluated: 2024-09-13. Review status: criteria provided, single submitter. Criteria: ACMG Guidelines, 2015. Collection method: clinical testing. Allele origin: germline.

Fulgent Genetics
Classification: Likely benign for Autosomal dominant childhood-onset proximal spinal muscular atrophy with contractures; Spinal muscular atrophy, lower extremity-predominant, 2b, prenatal onset, autosomal dominant. Last evaluated: 2022-05-11. Review status: criteria provided, single submitter. Criteria: ACMG Guidelines, 2015. Collection method: clinical testing. Allele origin: unknown.

ARUP Laboratories, Molecular Genetics and Genomics, ARUP Laboratories
Classification: Benign. Last evaluated: 2019-07-25. Review status: criteria provided, single submitter. Criteria: ARUP Molecular Germline Variant Investigation Process. Collection method: clinical testing. Allele origin: germline.

GeneDx
Classification: Likely benign. Last evaluated: 2017-11-09. Review status: criteria provided, single submitter. Criteria: GeneDx Variant Classification (06012015). Collection method: clinical testing. Allele origin: germline. Affected: yes.
Comment: This variant is considered likely benign or benign based on one or more of the following criteria: it is a conservative change, it occurs at a poorly conserved position in the protein, it is predicted to be benign by multiple in silico algorithms, and/or has population frequency not consistent with disease.

NM_001003800.2(BICD2):c.2258+15G>C

Gene: BICD2 (BICD cargo adaptor 2; minus strand). Cytogenetic location: 9q22.31.
Variant type: single nucleotide variant.
Coding change: c.2258+15G>C on transcript NM_001003800.2 (MANE Select); 15 bases into the intron after coding-DNA position 2258, G replaced by C.
Molecular consequence: intron variant.
Genome position (GRCh38, 1-based): chr9:92,717,782, C>G on the plus strand (G>C on the coding strand, the complement: BICD2 is on the minus strand). VCF-style: chr9-92717782-C-G. GRCh37 (hg19) VCF-style: chr9-95480064-C-G.
Other names: c.2258+15G>C (NM_015250.4).
Identifiers: ClinVar variation 387003 (VCV000387003.56), dbSNP rs140501870, ClinGen allele CA5126361.